The following is an entry in ClinVar:

ClinVar aggregate classification (germline): Uncertain significance (1 of 4 stars; one submission).

Submission:

Labcorp Genetics (formerly Invitae), Labcorp
Classification: Uncertain significance. Last evaluated: 2025-05-11. Review status: criteria provided, single submitter. Criteria: Invitae Variant Classification Sherloc (09022015). Collection method: clinical testing. Allele origin: germline.
Comment: This sequence change replaces histidine, which is basic and polar, with glutamine, which is neutral and polar, at codon 2040 of the PCLO protein (p.His2040Gln). This variant is not present in population databases (gnomAD no frequency). This variant has not been reported in the literature in individuals affected with PCLO-related conditions. Experimental studies and prediction algorithms are not available or were not evaluated, and the functional significance of this variant is currently unknown. In summary, the available evidence is currently insufficient to determine the role of this variant in disease. Therefore, it has been classified as a Variant of Uncertain Significance.

NM_033026.6(PCLO):c.6120T>A (p.His2040Gln)

Gene: PCLO (piccolo presynaptic cytomatrix protein; minus strand). Cytogenetic location: 7q21.11.
Variant type: single nucleotide variant.
Coding change: c.6120T>A on transcript NM_033026.6 (MANE Select); coding-DNA position 6120, T replaced by A.
Protein change: p.His2040Gln; replaces histidine 2040 with glutamine.
Molecular consequence: missense variant.
Genome position (GRCh38, 1-based): chr7:82,954,833, A>T on the plus strand (T>A on the coding strand, the complement: PCLO is on the minus strand). VCF-style: chr7-82954833-A-T. GRCh37 (hg19) VCF-style: chr7-82584149-A-T.
Other names: c.6120T>A, p.His2040Gln (NM_014510.3); short protein forms H2040Q.
Identifiers: ClinVar variation 4719341 (VCV004719341.1).